The following continues an entry in ClinVar:

NM_000059.4(BRCA2):c.9699_9702del (p.Cys3233fs)

Gene: BRCA2. ClinVar aggregate classification (germline): Likely pathogenic. Likely pathogenic (1).

Submissions 4 to 8 of 34:

PreventionGenetics, part of Exact Sciences
Classification: Likely pathogenic for BRCA2-related condition. Last evaluated: 2026-01-02. Review status: criteria provided, single submitter. Criteria: ACMG Guidelines, 2015. Collection method: clinical testing. Allele origin: germline. Not counted in ClinVar's aggregate classification.
Comment: The BRCA2 c.9699_9702delTATG variant is predicted to result in a frameshift and premature protein termination (p.Cys3233Trpfs*15). This variant has been reported in an individual with medulloblastoma (Table S2, Waszak et al. 2018. PubMed ID: 29753700), an individual with pancreatic cancer (Table S1, Grant et al. 2015. PubMed ID: 25479140), and in multiple individuals with a personal and/or family history of breast and/or ovarian cancer (Supplemental, Lilyquist et al. 2017. PubMed ID: 28888541; Table S1, Olafsdottir et al. 2020. PubMed ID: 32939053). This variant has also been observed in trans with a pathogenic BRCA2 missense variant in an individual with atypical Fanconi anemia (FA) and their unaffected sibling (Rosenthal et al. 2015. PubMed ID: 25639900). This variant has also been reported in individuals and families without histories of hereditary cancer and/or FA (Rudolf et al. 2016. PubMed ID: 27352968; Table S3, Grzymski et al. 2020. PubMed ID: 32719484). In vitro experimental studies and in silico models suggest this variant leads to the production of a truncated protein that may retain partial function (Biswas et al. 2020. PubMed ID: 33293522; Pal et al. 2024. PubMed ID: 39488595). This variant is reported in 0.040% of alleles in individuals of Latino descent in gnomAD and has also been reported in 0.08% of alleles in individuals from the Mexican population (Table S3, Fernández-Lopez et al. 2019. PubMed ID: 30630528). This variant is interpreted as likely pathogenic in ClinVar (Variation ID: 38260). Taken together, this variant is interpreted as likely pathogenic for hereditary cancer, however due to the higher than expected frequency and results of family history analysis, reduced penetrance is suspected. This variant is interpreted as likely pathogenic for autosomal recessive Fanconi anemia.

Variantyx, Inc.
Classification: Pathogenic for Familial prostate cancer. Last evaluated: 2025-08-13. Review status: criteria provided, single submitter. Criteria: Variantyx Assertion Criteria 2022. Collection method: clinical testing. Allele origin: germline. Inheritance: Autosomal dominant inheritance. Affected: yes. Not counted in ClinVar's aggregate classification.
Comment: This is a frameshift variant in the BRCA2 gene (OMIM: 600185). Pathogenic variants in this gene have been associated with autosomal dominant susceoptibility to BRCA2-related cancer types. This variant introduces a premature termination codon in exon 27 out of 27 and is expected to result in loss of function, which is a known disease mechanism for BRCA2 in this disorder (PVS1) (PMID:20301425). The truncation occurs in exon 27, where different proven pathogenic truncating variants have been seen before (PMID: 26183948) (PM5_Strong). It has been reported in the compound heterozygous state (detected in trans with another pathogenic BRCA2 variant) in one individual affected with early-onset breast cancer and clinical features of BRCA2-Fanconi Anemia (FA) (PMID: 25639900).This variant has also been reported in the heterozygous state in multiple unrelated individuals affected with breast, ovarian, pancreatic, and brain cancers (PMID: 29161300, 29084914, 30716324, 29753700), and functional studies have shown that this variant alters BRCA2 protein function (PMID: 33293522). This variant has a 0.0301% maximum allele frequency in control populations (gnomAD) (BS1). Based on the current evidence, this variant is classified as pathogenic for autosomal dominant susceptibility to BRCA2-related cancer types. Inheritance from an unaffected parent or a parent with unknown affected status has been reported, consistent with incomplete penetrance (PMID: 25639900).

German Consortium for Hereditary Breast and Ovarian Cancer, University Hospital Cologne
Classification: Likely pathogenic, low penetrance for Hereditary breast ovarian cancer syndrome. Last evaluated: 2025-08-12. Review status: criteria provided, single submitter. Criteria: ClinGen BRCA2 V1.1.0. Collection method: curation. Allele origin: germline. Not counted in ClinVar's aggregate classification.
Comment: This classification follows the ClinGen ENIGMA BRCA2 v1.1.0 classification scheme; We chose these criteria: PVS1 (very strong pathogenic): As per VCEP Table 4 - Annotated Exons (PTC<p.T3310) --> PVS1_VSTR & PM5_PTC_S, PS3 (strong pathogenic): Reported by one calibrated study to exhibit protein function similar to pathogenic control variants (Biswas (2020), PMID: 33293522), PM3 (medium pathogenic): This variant has been detected in 1 individual with phenotype consistent with BRCA2-Fanconi Anemia (FA). BRCA2:c.9699_9702del has also been detected in multiple individuals with phenotypic features consistent with FA but who did not meet our criteria for applying PM3. Total points equated to 2 (PM3 met; Ambry and Invitae internal contributors, Rosenthal (2015, PMID: 25639900)), PM5 (strong pathogenic): As per VCEP Table 4 - Annotated Exons (PTC<p.T3310) --> PVS1_VSTR & PM5_PTC_S, BP5 (very strong benign): Multifactorial likelihood ratio analysis using clinically calibrated data produced a combined LR for this variant of 7.08E-23 (based on Family History LR=7.08E-23), below the thresholds for Very strong benign evidence (LR <0.00285) (BP5_Very strong met; Ambry internal contributor)., BS1 (strong benign): The highest non-cancer, non-founder population filter allele frequency in gnomAD v2.1 (exomes only, non-cancer subset, read depth >=20) or gnomAD v3.1 (non-cancer subset, read depth >=20) is 0.0002484 in the Latino/Admixed American population, which is above the ENIGMA BRCA1/2 VCEP threshold (>0.0001) for BS1, and below the BA1 threshold (>0.001) (BS1 met)

Genetic Services Laboratory, University of Chicago
Classification: Likely pathogenic. Last evaluated: 2025-07-30. Review status: criteria provided, single submitter. Criteria: ACMG Guidelines, 2015. Collection method: clinical testing. Allele origin: germline. Not counted in ClinVar's aggregate classification.
Comment: The c.9699_9702del variant: Is a four base pair deletion in exon 27, c.9699_9702del. Results in an amino acid frameshift and creates a premature stop codon 15 amino acids downstream of the variant, p.Cys3233Trpfs*15. Is not anticipated to result in nonsense mediated decay, but does disrupt the c-terminal domain of the BRCA2 protein. Is reported in the gnomAD v4 database with a frequency of 0.03% in the Admixed American subpopulation (dbSNP rs1277986751). Has been reported in the heterozygous and the compound heterozygous states in individuals with breast cancer (PMIDs:25639900, 29875428, 29161300). However, family testing did not demonstrate consistent segregation of the this variant with breast or ovarian cancer (PMIDs:25639900). This variant in the compound heterozygous state with another pathogenic variant that has been described in individuals with a mild form of Fanconi anemia (PMID: 25639900). Other truncating variants in this region and downstream of this variant have been determined to be pathogenic (PMID: 18607349, 18593900, 22711857, 17026620). ClinVar contains an entry for this variant (Variation ID: 38260). Collectively this evidence indicates that this variant is likely pathogenic.

Color Diagnostics, LLC DBA Color Health
Classification: Likely pathogenic for Hereditary cancer-predisposing syndrome. Last evaluated: 2025-06-23. Review status: criteria provided, single submitter. Criteria: ACMG Guidelines, 2015. Collection method: clinical testing. Allele origin: germline. Not counted in ClinVar's aggregate classification.
Comment: This variant deletes 4 nucleotides in exon 27 of the BRCA2 gene, creating a frameshift and premature translation stop signal in the last coding exon. This variant is also known as 9927del4 and c.9697_9700del. The mutant transcript is predicted to be expressed as a truncated protein lacking the C-terminal RAD51 interaction domain and nuclear localization signals. This variant has been reported to impact BRCA2 function in the rescue of cell viability and PARP-inhibitor sensitivity in BRCA2-deficient cells (PMID: 33293522). This variant has been reported in over ten individuals affected with breast, ovarian, and pancreatic cancer (PMID: 16683254, 25479140, 24549055, 25639900, 25863477, 28637432, 28888541, 29084914, 29161300, 29339979, 29875428Color data). This variant, in trans with another pathogenic variant in the BRCA2 gene, has been reported in individuals showing clinical features of autosomal recessive Fanconi anemia (external communication, ClinVar SCV000073900.8). However, the variant has not shown consistent segregation with cancer in family studies and has also been observed biallelic with different BRCA2 pathogenic variants in several carriers without symptoms of Fanconi anemia (PMID: 25639900, 29161300Color internal data). This variant has been identified in 17/281678 chromosomes in the general population by the Genome Aggregation Database (gnomAD). These findings suggest that this variant may show reduced penetrance compared to a traditional pathogenic BRCA2 variant. Based on available evidence this variant is classified as Likely Pathogenic with reduced penetrance.